The following is an entry in ClinVar:

NM_004612.4(TGFBR1):c.176C>T (p.Thr59Ile)

Gene: TGFBR1 (transforming growth factor beta receptor 1; plus strand). Cytogenetic location: 9q22.33.
Variant type: single nucleotide variant.
Coding change: c.176C>T on transcript NM_004612.4 (MANE Select); coding-DNA position 176, C replaced by T.
Protein change: p.Thr59Ile; replaces threonine 59 with isoleucine.
Molecular consequence: missense variant.
Genome position (GRCh38, 1-based): chr9:99,128,933, C>T. VCF-style: chr9-99128933-C-T. GRCh37 (hg19) VCF-style: chr9-101891215-C-T.
Other names: c.176C>T, p.Thr59Ile (NM_001130916.3, NM_001306210.2, NM_001407416.1 and 2 more transcripts); c.-32C>T (NM_001407418.1, NM_001407419.1, NM_001407420.1 and 12 more transcripts); short protein forms T59I.
Identifiers: ClinVar variation 2160861 (VCV002160861.4), dbSNP rs2118565026, ClinGen allele CA374225399.
Genomic context (GRCh38, chr9:99,128,933, plus strand): 5'-ACCTCTGTACAAAAGACAATTTTACTTGTGTGACAGATGGGCTCTGCTTTGTCTCTGTCA[C>T]AGAGACCACAGACAAAGTTATACACAACAGCATGTGTATAGCTGAAATTGACTTAATTCC-3'
Protein context (NP_004603.1, residues 49-69): VTDGLCFVSV[Thr59Ile]ETTDKVIHNS

ClinVar aggregate classification (germline): Uncertain significance (1 of 4 stars; one submission).

Conditions:
Familial thoracic aortic aneurysm and aortic dissection (TAAD). Also called: Thoracic aortic aneurysms and dissections. Identifiers: Orphanet 91387, MedGen C4707243, MONDO:0019625.

Submission:

Labcorp Genetics (formerly Invitae), Labcorp
Classification: Uncertain significance for Familial thoracic aortic aneurysm and aortic dissection. Last evaluated: 2024-02-17. Review status: criteria provided, single submitter. Criteria: Invitae Variant Classification Sherloc (09022015). Collection method: clinical testing. Allele origin: germline.
Comment: This sequence change replaces threonine, which is neutral and polar, with isoleucine, which is neutral and non-polar, at codon 59 of the TGFBR1 protein (p.Thr59Ile). This variant is not present in population databases (gnomAD no frequency). This variant has not been reported in the literature in individuals affected with TGFBR1-related conditions. ClinVar contains an entry for this variant (Variation ID: 2160861). Advanced modeling of protein sequence and biophysical properties (such as structural, functional, and spatial information, amino acid conservation, physicochemical variation, residue mobility, and thermodynamic stability) performed at Invitae indicates that this missense variant is not expected to disrupt TGFBR1 protein function with a negative predictive value of 95%. In summary, the available evidence is currently insufficient to determine the role of this variant in disease. Therefore, it has been classified as a Variant of Uncertain Significance.